The following is an entry in ClinVar:

NM_001127222.2(CACNA1A):c.3697C>T (p.Arg1233Cys)

Gene: CACNA1A (calcium voltage-gated channel subunit alpha1 A; minus strand). Cytogenetic location: 19p13.13.
Variant type: single nucleotide variant.
Coding change: c.3697C>T on transcript NM_001127222.2 (MANE Select); coding-DNA position 3697, C replaced by T.
Protein change: p.Arg1233Cys; replaces arginine 1233 with cysteine.
Molecular consequence: missense variant.
Genome position (GRCh38, 1-based): chr19:13,283,392, G>A on the plus strand (C>T on the coding strand, the complement: CACNA1A is on the minus strand). VCF-style: chr19-13283392-G-A. GRCh37 (hg19) VCF-style: chr19-13394206-G-A.
Other names: c.3709C>T, p.Arg1237Cys (NM_000068.4, NM_023035.3); c.3700C>T, p.Arg1234Cys (NM_001127221.2, NM_001174080.2); short protein forms R1233C, R1234C, R1237C.
Identifiers: ClinVar variation 982692 (VCV000982692.9), dbSNP rs2057333004, ClinGen allele CA404340800.
Genomic context (GRCh38, chr19:13,283,392, plus strand): 5'-TGACCATGAGGATGCACATCTCAAAGTAGCGCAGGTTCAGGATGTAATGGCACAGGCGGC[G>A]AAGGCTGTTGGAGACAGATGGGCGTGCAGAGGTCCACTCAGACCACAGGCTCACAAACCC-3'
Protein context (NP_001120694.1, residues 1223-1243): MFILSTTNPL[Arg1233Cys]RLCHYILNLR

ClinVar aggregate classification (germline): Uncertain significance. Review status: criteria provided, multiple submitters, no conflicts (2 of 4 stars). 2 submissions from 2 submitters: Uncertain significance (2). Last evaluated 2022-12-15.

Conditions:
Developmental and epileptic encephalopathy, 42 (DEE42A). Also called: Epileptic encephalopathy, early infantile, 42; DEVELOPMENTAL AND EPILEPTIC ENCEPHALOPATHY 42A; EPILEPTIC ENCEPHALOPATHY, EARLY INFANTILE, 42A. Identifiers: MedGen C4310716, MONDO:0014917, OMIM 617106.
Episodic ataxia type 2 (EA2). Also called: CEREBELLAR ATAXIA, PAROXYSMAL, ACETAZOLAMIDE-RESPONSIVE; CEREBELLOPATHY, HEREDITARY PAROXYSMAL; EPISODIC ATAXIA, NYSTAGMUS-ASSOCIATED; ACETAZOLAMIDE-RESPONSIVE HEREDITARY PAROXYSMAL CEREBELLAR ATAXIA; ATAXIA, EPISODIC, WITH NYSTAGMUS; ATAXIA, FAMILIAL PAROXYSMAL. Identifiers: Orphanet 97, MedGen C1720416, MONDO:0007163, OMIM 108500.

Allele frequency attached by ClinVar (database versions not stated): gnomAD exomes below 0.00001.
gnomAD v4.1: 1 of 1,613,902 alleles (0.000062%); highest among the groups gnomAD compares: Non-Finnish European, 0.000085%; no homozygotes.

Submissions (2):

Labcorp Genetics (formerly Invitae), Labcorp
Classification: Uncertain significance for Developmental and epileptic encephalopathy, 42; Episodic ataxia type 2. Last evaluated: 2022-12-15. Review status: criteria provided, single submitter. Criteria: Invitae Variant Classification Sherloc (09022015). Collection method: clinical testing. Allele origin: germline.
Comment: This variant has not been reported in the literature in individuals affected with CACNA1A-related conditions. ClinVar contains an entry for this variant (Variation ID: 982692). Advanced modeling of protein sequence and biophysical properties (such as structural, functional, and spatial information, amino acid conservation, physicochemical variation, residue mobility, and thermodynamic stability) has been performed at Invitae for this missense variant, however the output from this modeling did not meet the statistical confidence thresholds required to predict the impact of this variant on CACNA1A protein function. In summary, the available evidence is currently insufficient to determine the role of this variant in disease. Therefore, it has been classified as a Variant of Uncertain Significance. This variant is not present in population databases (gnomAD no frequency). This sequence change replaces arginine, which is basic and polar, with cysteine, which is neutral and slightly polar, at codon 1234 of the CACNA1A protein (p.Arg1234Cys).

Institute of Human Genetics, University of Leipzig Medical Center
Classification: Uncertain significance for Developmental and epileptic encephalopathy, 42. Last evaluated: 2019-01-01. Review status: criteria provided, single submitter. Criteria: ACMG Guidelines, 2015. Collection method: clinical testing. Allele origin: unknown. Affected: yes.